The following is an entry in ClinVar:

NM_032776.3(JMJD1C):c.1648A>C (p.Asn550His)

Gene: JMJD1C (jumonji domain containing 1C; minus strand). Cytogenetic location: 10q21.3.
Variant type: single nucleotide variant.
Coding change: c.1648A>C on transcript NM_032776.3 (MANE Select); coding-DNA position 1648, A replaced by C.
Protein change: p.Asn550His; replaces asparagine 550 with histidine.
Molecular consequence: missense variant. On other transcripts: non-coding transcript variant (1).
Genome position (GRCh38, 1-based): chr10:63,214,519, T>G on the plus strand (A>C on the coding strand, the complement: JMJD1C is on the minus strand). VCF-style: chr10-63214519-T-G. GRCh37 (hg19) VCF-style: chr10-64974279-T-G.
Other names: c.1102A>C, p.Asn368His (NM_001282948.2, NM_001318154.2); c.784A>C, p.Asn262His (NM_001318153.2); c.1534A>C, p.Asn512His (NM_001322252.2); c.991A>C, p.Asn331His (NM_001322254.2, NM_001322258.2); short protein forms N368H, N512H, N262H, N331H, N550H.
Identifiers: ClinVar variation 969437 (VCV000969437.9), dbSNP rs1847743029, ClinGen allele CA377048295.

ClinVar aggregate classification (germline): Uncertain significance (1 of 4 stars; one submission).

Conditions:
Early Myoclonic Encephalopathy. Identifiers: MedGen C0270855.

Submission:

Labcorp Genetics (formerly Invitae), Labcorp
Classification: Uncertain significance for Early Myoclonic Encephalopathy. Last evaluated: 2019-10-16. Review status: criteria provided, single submitter. Criteria: Invitae Variant Classification Sherloc (09022015). Collection method: clinical testing. Allele origin: germline.
Comment: In summary, the available evidence is currently insufficient to determine the role of this variant in disease. Therefore, it has been classified as a Variant of Uncertain Significance. This sequence change replaces asparagine with histidine at codon 550 of the JMJD1C protein (p.Asn550His). The asparagine residue is moderately conserved and there is a small physicochemical difference between asparagine and histidine. This variant is not present in population databases (ExAC no frequency). This variant has not been reported in the literature in individuals with JMJD1C-related conditions. Algorithms developed to predict the effect of missense changes on protein structure and function are either unavailable or do not agree on the potential impact of this missense change (SIFT: "Deleterious"; PolyPhen-2: "Possibly Damaging"; Align-GVGD: "Class C0").